The following is an entry in ClinVar:

ClinVar aggregate classification (germline): Benign/Likely benign. Review status: criteria provided, multiple submitters, no conflicts (2 of 4 stars). 3 submissions from 3 submitters: Benign (2); Likely benign (1). Last evaluated 2021-05-11.

Conditions:
Cortical dysplasia-focal epilepsy syndrome (PTHSL1). Also called: Pitt-Hopkins-like syndrome 1. Identifiers: Orphanet 163681, Orphanet 221150, MedGen C2750246, MONDO:0012400, OMIM 610042.

Allele frequency attached by ClinVar (database versions not stated): 1000 Genomes Project 0.03974; gnomAD 0.04060 and 0.04371; 1000 Genomes Project 30x 0.04247; TOPMed 0.04537.

Submissions (3):

GeneDx
Classification: Benign. Last evaluated: 2021-05-11. Review status: criteria provided, single submitter. Criteria: GeneDx Variant Classification Process June 2021. Collection method: clinical testing. Allele origin: germline. Affected: yes.

Illumina Laboratory Services, Illumina
Classification: Benign for Cortical dysplasia-focal epilepsy syndrome. Last evaluated: 2018-01-12. Review status: criteria provided, single submitter. Criteria: ICSL Variant Classification Criteria 13 December 2019. Collection method: clinical testing. Allele origin: germline.
Comment: This variant was observed in the ICSL laboratory as part of a predisposition screen in an ostensibly healthy population. It had not been previously curated by ICSL or reported in the Human Gene Mutation Database (HGMD: prior to June 1st, 2018), and was therefore a candidate for classification through an automated scoring system. Utilizing variant allele frequency, disease prevalence and penetrance estimates, and inheritance mode, an automated score was calculated to assess if this variant is too frequent to cause the disease. Based on the score and internal cut-off values, a variant classified as benign is not then subjected to further curation. The score for this variant resulted in a classification of benign for this disease.

Breakthrough Genomics
Classification: Likely benign. Review status: criteria provided, single submitter. Criteria: ACMG Guidelines, 2015. Collection method: not provided. Allele origin: germline. Inheritance: Autosomal recessive inheritance. Affected: yes.

NM_014141.6(CNTNAP2):c.*3531G>A

Gene: CNTNAP2 (contactin associated protein 2; plus strand). Cytogenetic location: 7q36.1.
Variant type: single nucleotide variant.
Coding change: c.*3531G>A on transcript NM_014141.6 (MANE Select); 3531 bases downstream of the stop codon, G replaced by A.
Molecular consequence: 3 prime UTR variant.
Genome position (GRCh38, 1-based): chr7:148,419,147, G>A. VCF-style: chr7-148419147-G-A. GRCh37 (hg19) VCF-style: chr7-148116239-G-A.
Identifiers: ClinVar variation 359248 (VCV000359248.9), dbSNP rs79360609, ClinGen allele CA10628440.